The following is an entry in ClinVar:

ClinVar aggregate classification (germline): Uncertain significance (1 of 4 stars; one submission).

Conditions:
MOGS-congenital disorder of glycosylation. Also called: CDG IIb; CDG 2B; GLUCOSIDASE I DEFICIENCY; MOGS-CDG. Identifiers: Orphanet 79330, MedGen C1853736, MONDO:0011629, OMIM 606056.

gnomAD v4.1: 5 of 1,532,308 alleles (0.00033%); highest among the groups gnomAD compares: Middle Eastern, 0.035%; no homozygotes.

Submission:

Labcorp Genetics (formerly Invitae), Labcorp
Classification: Uncertain significance for MOGS-congenital disorder of glycosylation. Last evaluated: 2019-05-29. Review status: criteria provided, single submitter. Criteria: Invitae Variant Classification Sherloc (09022015). Collection method: clinical testing. Allele origin: germline.
Comment: This variant has not been reported in the literature in individuals with MOGS-related conditions. The frequency data for this variant in the population databases is considered unreliable, as metrics indicate poor data quality at this position in the ExAC database. This sequence change replaces arginine with proline at codon 24 of the MOGS protein (p.Arg24Pro). The arginine residue is weakly conserved and there is a moderate physicochemical difference between arginine and proline. Algorithms developed to predict the effect of missense changes on protein structure and function (SIFT, PolyPhen-2, Align-GVGD) all suggest that this variant is likely to be tolerated, but these predictions have not been confirmed by published functional studies and their clinical significance is uncertain. In summary, the available evidence is currently insufficient to determine the role of this variant in disease. Therefore, it has been classified as a Variant of Uncertain Significance.

NM_006302.3(MOGS):c.71G>C (p.Arg24Pro)

Gene: MOGS (mannosyl-oligosaccharide glucosidase; minus strand). Cytogenetic location: 2p13.1.
Variant type: single nucleotide variant.
Coding change: c.71G>C on transcript NM_006302.3 (MANE Select); coding-DNA position 71, G replaced by C.
Protein change: p.Arg24Pro; replaces arginine 24 with proline.
Molecular consequence: missense variant. On other transcripts: intron variant (1).
Genome position (GRCh38, 1-based): chr2:74,465,177, C>G on the plus strand (G>C on the coding strand, the complement: MOGS is on the minus strand). VCF-style: chr2-74465177-C-G. GRCh37 (hg19) VCF-style: chr2-74692304-C-G.
Other names: c.-59+137G>C (NM_001146158.2); short protein forms R24P.
Identifiers: ClinVar variation 937114 (VCV000937114.10), dbSNP rs750801906, ClinGen allele CA1725119.